The following is an entry in ClinVar:

NM_000424.4(KRT5):c.927+1G>T

Gene: KRT5 (keratin 5; minus strand). Cytogenetic location: 12q13.13.
Variant type: single nucleotide variant.
Coding change: c.927+1G>T on transcript NM_000424.4 (MANE Select); the canonical splice donor site of the intron after coding-DNA position 927, G replaced by T.
Molecular consequence: splice donor variant.
Genome position (GRCh38, 1-based): chr12:52,517,896, C>A on the plus strand (G>T on the coding strand, the complement: KRT5 is on the minus strand). VCF-style: chr12-52517896-C-A. GRCh37 (hg19) VCF-style: chr12-52911680-C-A.
Identifiers: ClinVar variation 4731831 (VCV004731831.1).

ClinVar aggregate classification (germline): Pathogenic (1 of 4 stars; one submission).

Submission:

Labcorp Genetics (formerly Invitae), Labcorp
Classification: Pathogenic. Last evaluated: 2025-11-24. Review status: criteria provided, single submitter. Criteria: Invitae Variant Classification Sherloc (09022015). Collection method: clinical testing. Allele origin: germline.
Comment: This sequence change affects a donor splice site in intron 4 of the KRT5 gene. It is expected to disrupt RNA splicing. Variants that disrupt the donor or acceptor splice site typically lead to a loss of protein function (PMID: 16199547), however the current clinical and genetic evidence is not sufficient to establish whether loss-of-function variants in KRT5 cause disease. This variant is not present in population databases (gnomAD no frequency). Disruption of this splice site has been observed in individual(s) with epidermolysis bullosa simplex (PMID: 21375516; internal data). Algorithms developed to predict the effect of sequence changes on RNA splicing suggest that this variant may disrupt the consensus splice site. For these reasons, this variant has been classified as Pathogenic.

Literature cited by the submitters: PubMed 16199547; PubMed 21375516.